The following is an entry in ClinVar:

ClinVar aggregate classification (germline): Uncertain significance. Review status: criteria provided, multiple submitters, no conflicts (2 of 4 stars). 3 submissions from 3 submitters: Uncertain significance (3). Last evaluated 2023-12-08.

Conditions:
Inborn genetic diseases. Identifiers: MedGen C0950123, MeSH D030342.
Mitochondrial hypertrophic cardiomyopathy with lactic acidosis due to MTO1 deficiency. Also called: Combined oxidative phosphorylation deficiency 10; CARDIOMYOPATHY, INFANTILE HYPERTROPHIC MITOCHONDRIAL, AND LACTIC ACIDOSIS. Identifiers: Orphanet 314637, MedGen C4749921, MONDO:0013865, OMIM 614702.

Allele frequency attached by ClinVar (database versions not stated): gnomAD exomes below 0.00001; TOPMed below 0.00001; ExAC 0.00001; gnomAD 0.00001.
gnomAD v4.1: 6 of 1,613,892 alleles (0.00037%); highest among the groups gnomAD compares: Non-Finnish European, 0.00051%; no homozygotes.

Submissions (3):

Mayo Clinic Laboratories, Mayo Clinic
Classification: Uncertain significance. Last evaluated: 2023-12-08. Review status: criteria provided, single submitter. Criteria: ACMG Guidelines, 2015. Collection method: clinical testing. Allele origin: germline. Observed: 1 variant allele.
Comment: BP4, PM2_moderate

Labcorp Genetics (formerly Invitae), Labcorp
Classification: Uncertain significance for Mitochondrial hypertrophic cardiomyopathy with lactic acidosis due to MTO1 deficiency. Last evaluated: 2022-10-17. Review status: criteria provided, single submitter. Criteria: Invitae Variant Classification Sherloc (09022015). Collection method: clinical testing. Allele origin: germline.
Comment: This sequence change replaces serine, which is neutral and polar, with asparagine, which is neutral and polar, at codon 174 of the MTO1 protein (p.Ser174Asn). This variant is present in population databases (rs200547196, gnomAD 0.0009%). This variant has not been reported in the literature in individuals affected with MTO1-related conditions. ClinVar contains an entry for this variant (Variation ID: 1003326). Advanced modeling of protein sequence and biophysical properties (such as structural, functional, and spatial information, amino acid conservation, physicochemical variation, residue mobility, and thermodynamic stability) performed at Invitae indicates that this missense variant is not expected to disrupt MTO1 protein function. In summary, the available evidence is currently insufficient to determine the role of this variant in disease. Therefore, it has been classified as a Variant of Uncertain Significance.

Ambry Genetics
Classification: Uncertain significance for Inborn genetic diseases. Last evaluated: 2021-07-19. Review status: criteria provided, single submitter. Criteria: Ambry Variant Classification Scheme 2023. Collection method: clinical testing. Allele origin: germline.

NM_012123.4(MTO1):c.521G>A (p.Ser174Asn)

Gene: MTO1 (mitochondrial tRNA translation optimization 1; plus strand). Cytogenetic location: 6q13.
Variant type: single nucleotide variant.
Coding change: c.521G>A on transcript NM_012123.4 (MANE Select); coding-DNA position 521, G replaced by A.
Protein change: p.Ser174Asn; replaces serine 174 with asparagine.
Molecular consequence: missense variant.
Genome position (GRCh38, 1-based): chr6:73,466,592, G>A. VCF-style: chr6-73466592-G-A. GRCh37 (hg19) VCF-style: chr6-74176315-G-A.
Other names: p.Ser174Asn; c.521G>A, p.Ser174Asn (NM_001123226.2, NM_133645.3); c.521G>A (NM_001123226.1); short protein forms S174N.
Identifiers: ClinVar variation 1003326 (VCV001003326.5), dbSNP rs200547196, ClinGen allele CA3889367.